The following is an entry in ClinVar:

NM_017827.4(SARS2):c.531C>A (p.Asp177Glu)

Gene: SARS2 (seryl-tRNA synthetase 2, mitochondrial; minus strand). Cytogenetic location: 19q13.2.
Variant type: single nucleotide variant.
Coding change: c.531C>A on transcript NM_017827.4 (MANE Select); coding-DNA position 531, C replaced by A.
Protein change: p.Asp177Glu; replaces aspartic acid 177 with glutamic acid.
Molecular consequence: missense variant.
Genome position (GRCh38, 1-based): chr19:38,921,530, G>T on the plus strand (C>A on the coding strand, the complement: SARS2 is on the minus strand). VCF-style: chr19-38921530-G-T. GRCh37 (hg19) VCF-style: chr19-39412170-G-T.
Other names: c.537C>A, p.Asp179Glu (NM_001145901.2); short protein forms D179E, D177E.
Identifiers: ClinVar variation 2021800 (VCV002021800.4), dbSNP rs116583253, ClinGen allele CA405738967.

ClinVar aggregate classification (germline): Uncertain significance (1 of 4 stars; one submission).

Submission:

Labcorp Genetics (formerly Invitae), Labcorp
Classification: Uncertain significance. Last evaluated: 2022-08-05. Review status: criteria provided, single submitter. Criteria: Invitae Variant Classification Sherloc (09022015). Collection method: clinical testing. Allele origin: germline.
Comment: In summary, the available evidence is currently insufficient to determine the role of this variant in disease. Therefore, it has been classified as a Variant of Uncertain Significance. Algorithms developed to predict the effect of missense changes on protein structure and function (SIFT, PolyPhen-2, Align-GVGD) all suggest that this variant is likely to be tolerated. This variant has not been reported in the literature in individuals affected with SARS2-related conditions. This variant is not present in population databases (gnomAD no frequency). This sequence change replaces aspartic acid, which is acidic and polar, with glutamic acid, which is acidic and polar, at codon 177 of the SARS2 protein (p.Asp177Glu).